The following is an entry in ClinVar:

ClinVar aggregate classification (germline): Uncertain significance (1 of 4 stars; one submission).

Conditions:
Alstrom syndrome (ALMS). Identifiers: Orphanet 64, MedGen C0268425, MONDO:0008763, OMIM 203800.

Submission:

Labcorp Genetics (formerly Invitae), Labcorp
Classification: Uncertain significance for Alstrom syndrome. Last evaluated: 2021-11-24. Review status: criteria provided, single submitter. Criteria: Invitae Variant Classification Sherloc (09022015). Collection method: clinical testing. Allele origin: germline.
Comment: This sequence change replaces methionine, which is neutral and non-polar, with isoleucine, which is neutral and non-polar, at codon 2273 of the ALMS1 protein (p.Met2273Ile). This variant is not present in population databases (gnomAD no frequency). This variant has not been reported in the literature in individuals affected with ALMS1-related conditions. Experimental studies and prediction algorithms are not available or were not evaluated, and the functional significance of this variant is currently unknown. In summary, the available evidence is currently insufficient to determine the role of this variant in disease. Therefore, it has been classified as a Variant of Uncertain Significance.

NM_001378454.1(ALMS1):c.6816G>T (p.Met2272Ile)

Gene: ALMS1 (ALMS1 centrosome and basal body associated protein; plus strand). Cytogenetic location: 2p13.1.
Variant type: single nucleotide variant.
Coding change: c.6816G>T on transcript NM_001378454.1 (MANE Select); coding-DNA position 6816, G replaced by T.
Protein change: p.Met2272Ile; replaces methionine 2272 with isoleucine.
Molecular consequence: missense variant.
Genome position (GRCh38, 1-based): chr2:73,453,343, G>T. VCF-style: chr2-73453343-G-T. GRCh37 (hg19) VCF-style: chr2-73680470-G-T.
Other names: c.6819G>T, p.Met2273Ile (NM_015120.4); short protein forms M2272I, M2273I.
Identifiers: ClinVar variation 1490703 (VCV001490703.3), dbSNP rs765233946, ClinGen allele CA347289506.